The following is an entry in ClinVar:

ClinVar aggregate classification (germline): Benign/Likely benign. Review status: criteria provided, multiple submitters, no conflicts (2 of 4 stars). 4 submissions from 3 submitters: Benign (1); Likely benign (3). Last evaluated 2025-11-04.

Conditions:
Autosomal dominant nonsyndromic hearing loss 17. Also called: Deafness, autosomal dominant 17; Autosomal dominant nonsyndromic deafness 17. Identifiers: Orphanet 90635, MedGen C1863659, MONDO:0011350, OMIM 603622.
MYH9-related disorder. Identifiers: MedGen C1854520.

Allele frequency attached by ClinVar (database versions not stated): gnomAD 0.00003; gnomAD exomes 0.00003 and 0.00010; TOPMed 0.00005; ExAC 0.00012.
gnomAD v4.1: 43 of 1,613,860 alleles (0.0027%); highest among the groups gnomAD compares: Admixed American, 0.042%; no homozygotes.

Submissions (4):

Labcorp Genetics (formerly Invitae), Labcorp
Classification: Likely benign. Last evaluated: 2025-11-04. Review status: criteria provided, single submitter. Criteria: Invitae Variant Classification Sherloc (09022015). Collection method: clinical testing. Allele origin: germline.

Blueprint Genetics
Classification: Likely benign. Last evaluated: 2023-10-23. Review status: criteria provided, single submitter. Criteria: ACMG Guidelines, 2015. Collection method: clinical testing. Allele origin: germline.

Illumina Laboratory Services, Illumina
Classification: Likely benign for Autosomal dominant nonsyndromic hearing loss 17. Last evaluated: 2018-01-12. Review status: criteria provided, single submitter. Criteria: ICSL Variant Classification Criteria 13 December 2019. Collection method: clinical testing. Allele origin: germline.
Comment: This variant was observed in the ICSL laboratory as part of a predisposition screen in an ostensibly healthy population. It had not been previously curated by ICSL or reported in the Human Gene Mutation Database (HGMD: prior to June 1st, 2018), and was therefore a candidate for classification through an automated scoring system. Utilizing variant allele frequency, disease prevalence and penetrance estimates, and inheritance mode, an automated score was calculated to assess if this variant is too frequent to cause the disease. Based on the score and internal cut-off values, a variant classified as likely benign is not then subjected to further curation. The score for this variant resulted in a classification of likely benign for this disease.

Illumina Laboratory Services, Illumina
Classification: Benign for MYH9-related disorder. Last evaluated: 2018-01-12. Review status: criteria provided, single submitter. Criteria: ICSL Variant Classification Criteria 13 December 2019. Collection method: clinical testing. Allele origin: germline.
Comment: This variant was observed in the ICSL laboratory as part of a predisposition screen in an ostensibly healthy population. It had not been previously curated by ICSL or reported in the Human Gene Mutation Database (HGMD: prior to June 1st, 2018), and was therefore a candidate for classification through an automated scoring system. Utilizing variant allele frequency, disease prevalence and penetrance estimates, and inheritance mode, an automated score was calculated to assess if this variant is too frequent to cause the disease. Based on the score and internal cut-off values, a variant classified as benign is not then subjected to further curation. The score for this variant resulted in a classification of benign for this disease.

NM_002473.6(MYH9):c.3606G>A (p.Ala1202=)

Gene: MYH9 (myosin heavy chain 9; minus strand). Cytogenetic location: 22q12.3.
Variant type: single nucleotide variant.
Coding change: c.3606G>A on transcript NM_002473.6 (MANE Select); coding-DNA position 3606, G replaced by A.
Protein change: p.Ala1202=; no amino-acid change (alanine 1202 retained).
Molecular consequence: synonymous variant.
Genome position (GRCh38, 1-based): chr22:36,294,956, C>T on the plus strand (G>A on the coding strand, the complement: MYH9 is on the minus strand). VCF-style: chr22-36294956-C-T. GRCh37 (hg19) VCF-style: chr22-36691002-C-T.
Identifiers: ClinVar variation 341513 (VCV000341513.14), dbSNP rs771461880, ClinGen allele CA10209638.